The following is an entry in ClinVar:

NM_000064.4(C3):c.3231-3C>T

Gene: C3 (complement C3; minus strand). Cytogenetic location: 19p13.3.
Variant type: single nucleotide variant.
Coding change: c.3231-3C>T on transcript NM_000064.4 (MANE Select); 3 bases into the intron before coding-DNA position 3231, C replaced by T.
Molecular consequence: intron variant.
Genome position (GRCh38, 1-based): chr19:6,693,086, G>A on the plus strand (C>T on the coding strand, the complement: C3 is on the minus strand). VCF-style: chr19-6693086-G-A. GRCh37 (hg19) VCF-style: chr19-6693097-G-A.
Identifiers: ClinVar variation 3002992 (VCV003002992.3), dbSNP rs764626505, ClinGen allele CA9128792.

ClinVar aggregate classification (germline): Uncertain significance (1 of 4 stars; one submission).

Allele frequency attached by ClinVar (database versions not stated): ExAC 0.00001; gnomAD exomes 0.00001.
gnomAD v4.1: 11 of 1,613,934 alleles (0.00068%); highest among the groups gnomAD compares: South Asian, 0.0011%; no homozygotes.

Submission:

Labcorp Genetics (formerly Invitae), Labcorp
Classification: Uncertain significance. Last evaluated: 2024-01-20. Review status: criteria provided, single submitter. Criteria: Invitae Variant Classification Sherloc (09022015). Collection method: clinical testing. Allele origin: germline.
Comment: This sequence change falls in intron 25 of the C3 gene. It does not directly change the encoded amino acid sequence of the C3 protein. It affects a nucleotide within the consensus splice site. This variant is present in population databases (rs764626505, gnomAD 0.003%). This variant has not been reported in the literature in individuals affected with C3-related conditions. Variants that disrupt the consensus splice site are a relatively common cause of aberrant splicing (PMID: 17576681, 9536098). Algorithms developed to predict the effect of sequence changes on RNA splicing suggest that this variant is not likely to affect RNA splicing. In summary, the available evidence is currently insufficient to determine the role of this variant in disease. Therefore, it has been classified as a Variant of Uncertain Significance.

Literature cited by the submitters: PubMed 17576681; PubMed 9536098.